The following is an entry in ClinVar:

NM_024558.3(VCPKMT):c.99T>G (p.Tyr33Ter)

Gene: VCPKMT (valosin containing protein lysine methyltransferase; minus strand). Cytogenetic location: 14q21.3.
Variant type: single nucleotide variant.
Coding change: c.99T>G on transcript NM_024558.3 (MANE Select); coding-DNA position 99, T replaced by G.
Protein change: p.Tyr33Ter; replaces tyrosine 33 with a stop codon.
Molecular consequence: nonsense. On other transcripts: non-coding transcript variant (2).
Genome position (GRCh38, 1-based): chr14:50,116,454, A>C on the plus strand (T>G on the coding strand, the complement: VCPKMT is on the minus strand). VCF-style: chr14-50116454-A-C. GRCh37 (hg19) VCF-style: chr14-50583172-A-C.
Other names: c.99T>G, p.Tyr33Ter (NM_001040662.2); short protein forms Y33*.
Identifiers: ClinVar variation 652104 (VCV000652104.8), dbSNP rs1464048340, ClinGen allele CA389635789.

ClinVar aggregate classification (germline): Uncertain significance. Review status: criteria provided, single submitter (1 of 4 stars). 2 submissions from 2 submitters: Uncertain significance (1). 1 of the submissions does not count toward it. Last evaluated 2018-11-15.

Allele frequency attached by ClinVar (database versions not stated): gnomAD exomes below 0.00001.

Submissions (2):

Labcorp Genetics (formerly Invitae), Labcorp
Classification: Uncertain significance. Last evaluated: 2018-11-15. Review status: criteria provided, single submitter. Criteria: Invitae Variant Classification Sherloc (09022015). Collection method: clinical testing. Allele origin: germline.
Comment: This sequence change creates a premature translational stop signal (p.Tyr33*) in the VCPKMT gene. It is expected to result in an absent or disrupted protein product. This variant is not present in population databases (ExAC no frequency). This variant has not been reported in the literature in individuals with VCPKMT-related disease. The current clinical and genetic evidence is not sufficient to establish whether loss-of-function variants in VCPKMT cause disease. In summary, the available evidence is currently insufficient to determine the role of this variant in disease. Therefore, it has been classified as a Variant of Uncertain Significance.

Centre for Arab Genomic Studies, Sheikh Hamdan Award for Medical Sciences
Classification: Uncertain significance. Last evaluated: 2019-07-08. Review status: no assertion criteria provided. Collection method: clinical testing. Allele origin: inherited. Inheritance: Autosomal recessive inheritance. Observed: 4 variant alleles, 2 heterozygotes, 2 homozygotes. Not counted in ClinVar's aggregate classification.

Literature cited by the submitters: PubMed 32006683 (cited by Centre for Arab Genomic Studies, Sheikh Hamdan Award for Medical Sciences).